The following is an entry in ClinVar:

ClinVar aggregate classification (germline): Benign/Likely benign. Review status: criteria provided, multiple submitters, no conflicts (2 of 4 stars). 3 submissions from 3 submitters: Benign (1); Likely benign (2). Last evaluated 2025-10-01.

Conditions:
Hereditary cancer-predisposing syndrome. Also called: Neoplastic Syndromes, Hereditary; Hereditary neoplastic syndrome; Hereditary Cancer Syndrome; Tumor predisposition. Identifiers: Orphanet 140162, MedGen C0027672, MeSH D009386, MONDO:0015356.
Hereditary diffuse gastric adenocarcinoma (HDGC). Also called: DIFFUSE GASTRIC AND LOBULAR BREAST CANCER SYNDROME. Identifiers: Orphanet 26106, MedGen C1708349, MONDO:0007648, OMIM 137215.

Allele frequency attached by ClinVar (database versions not stated): gnomAD 0.00001; TOPMed 0.00001.
gnomAD v4.1: 1 of 1,613,600 alleles (0.000062%); highest among the groups gnomAD compares: African/African-American, 0.0013%; no homozygotes.

Submissions (3):

Labcorp Genetics (formerly Invitae), Labcorp
Classification: Likely benign. Last evaluated: 2025-10-01. Review status: criteria provided, single submitter. Criteria: Invitae Variant Classification Sherloc (09022015). Collection method: clinical testing. Allele origin: germline.

Myriad Genetics, Inc.
Classification: Benign for Hereditary diffuse gastric adenocarcinoma. Last evaluated: 2024-10-10. Review status: criteria provided, single submitter. Criteria: Myriad Autosomal Dominant, Autosomal Recessive and X-Linked Classification Criteria (2023). Collection method: clinical testing. Allele origin: unknown.
Comment: This variant is considered benign. This variant is a silent/synonymous amino acid change and it is not expected to impact splicing.

Ambry Genetics
Classification: Likely benign for Hereditary cancer-predisposing syndrome. Last evaluated: 2022-06-28. Review status: criteria provided, single submitter. Criteria: Ambry Variant Classification Scheme 2023. Collection method: clinical testing. Allele origin: germline.

NM_001903.5(CTNNA1):c.489G>A (p.Lys163=)

Gene: CTNNA1 (catenin alpha 1; plus strand). Cytogenetic location: 5q31.2.
Variant type: single nucleotide variant.
Coding change: c.489G>A on transcript NM_001903.5 (MANE Select); coding-DNA position 489, G replaced by A.
Protein change: p.Lys163=; no amino-acid change (lysine 163 retained).
Molecular consequence: synonymous variant.
Genome position (GRCh38, 1-based): chr5:138,812,203, G>A. VCF-style: chr5-138812203-G-A. GRCh37 (hg19) VCF-style: chr5-138147892-G-A.
Other names: c.489G>A, p.Lys163= (NM_001290307.3, NM_001323982.2, NM_001323983.1 and 3 more transcripts); c.180G>A, p.Lys60= (NM_001290309.3); c.120G>A, p.Lys40= (NM_001290310.3).
Identifiers: ClinVar variation 1104915 (VCV001104915.12), dbSNP rs1362893194, ClinGen allele CA446591369.